The following is an entry in ClinVar:

NM_000088.4(COL1A1):c.1875+41G>C

Gene: COL1A1 (collagen type I alpha 1 chain; minus strand). Cytogenetic location: 17q21.33.
Variant type: single nucleotide variant.
Coding change: c.1875+41G>C on transcript NM_000088.4 (MANE Select); 41 bases into the intron after coding-DNA position 1875, G replaced by C.
Molecular consequence: intron variant.
Genome position (GRCh38, 1-based): chr17:50,192,756, C>G on the plus strand (G>C on the coding strand, the complement: COL1A1 is on the minus strand). VCF-style: chr17-50192756-C-G. GRCh37 (hg19) VCF-style: chr17-48270117-C-G.
Other names: NC_000017.10:g.48270117C>G.
Identifiers: ClinVar variation 679029 (VCV000679029.3), dbSNP rs41316671, ClinGen allele CA8645046.
Genomic context (GRCh38, chr17:50,192,756, plus strand): 5'-GCACAGAGAGAACACTACAGTCACGGGGAGGCCGAGGAGACGAGGGGCTGAGGGTGTCTC[C>G]CCTTTTCTGCTCCCCAGATCTCCCCATCAGGGACACTCACAGCAGGGCCAGGGGGTCCCT-3'

ClinVar aggregate classification (germline): Benign. Review status: criteria provided, multiple submitters, no conflicts (2 of 4 stars). 2 submissions from 2 submitters: Benign (2). Last evaluated 2018-06-14.

Allele frequency attached by ClinVar (database versions not stated): ESP Exome Variant Server 0.00923; gnomAD 0.01369 and 0.01571; TOPMed 0.01895; ExAC 0.01962; gnomAD exomes 0.02170; 1000 Genomes Project 30x 0.04247; 1000 Genomes Project 0.04553.
gnomAD v4.1: 13,799 of 1,614,036 alleles (0.85%); highest among the groups gnomAD compares: East Asian, 11%; 530 homozygotes.

Submissions (17):

GeneDx
Classification: Benign. Last evaluated: 2018-06-14. Review status: criteria provided, single submitter. Criteria: GeneDx Variant Classification (06012015). Collection method: clinical testing. Allele origin: germline. Affected: yes.
Comment: This variant is considered likely benign or benign based on one or more of the following criteria: it is a conservative change, it occurs at a poorly conserved position in the protein, it is predicted to be benign by multiple in silico algorithms, and/or has population frequency not consistent with disease.

Breakthrough Genomics
Classification: Benign. Review status: criteria provided, single submitter. Criteria: ACMG Guidelines, 2015. Collection method: not provided. Allele origin: germline. Inheritance: Autosomal dominant inheritance. Affected: yes.

Dr. Peter K. Rogan Lab, Western University
No classification provided (evidence only). Condition: Ovarian serous cystadenocarcinoma. Review status: no classification provided. Collection method: in vitro. Allele origin: not applicable. Functional consequence: retained intron. Not counted in ClinVar's aggregate classification.

Dr. Peter K. Rogan Lab, Western University
No classification provided (evidence only). Condition: Ovarian serous cystadenocarcinoma. Review status: no classification provided. Collection method: in vitro. Allele origin: not applicable. Functional consequence: retained intron. Not counted in ClinVar's aggregate classification.

Dr. Peter K. Rogan Lab, Western University
No classification provided (evidence only). Condition: Ovarian serous cystadenocarcinoma. Review status: no classification provided. Collection method: in vitro. Allele origin: not applicable. Functional consequence: retained intron. Not counted in ClinVar's aggregate classification.

Dr. Peter K. Rogan Lab, Western University
No classification provided (evidence only). Condition: Ovarian serous cystadenocarcinoma. Review status: no classification provided. Collection method: in vitro. Allele origin: not applicable. Functional consequence: retained intron. Not counted in ClinVar's aggregate classification.

Dr. Peter K. Rogan Lab, Western University
No classification provided (evidence only). Condition: Ovarian serous cystadenocarcinoma. Review status: no classification provided. Collection method: in vitro. Allele origin: not applicable. Functional consequence: retained intron. Not counted in ClinVar's aggregate classification.

Dr. Peter K. Rogan Lab, Western University
No classification provided (evidence only). Condition: Ovarian serous cystadenocarcinoma. Review status: no classification provided. Collection method: in vitro. Allele origin: not applicable. Functional consequence: retained intron. Not counted in ClinVar's aggregate classification.

Dr. Peter K. Rogan Lab, Western University
No classification provided (evidence only). Condition: Gastric cancer. Review status: no classification provided. Collection method: in vitro. Allele origin: not applicable. Functional consequence: retained intron. Not counted in ClinVar's aggregate classification.

Dr. Peter K. Rogan Lab, Western University
No classification provided (evidence only). Condition: Gastric cancer. Review status: no classification provided. Collection method: in vitro. Allele origin: not applicable. Functional consequence: retained intron. Not counted in ClinVar's aggregate classification.

Dr. Peter K. Rogan Lab, Western University
No classification provided (evidence only). Condition: Gastric cancer. Review status: no classification provided. Collection method: in vitro. Allele origin: not applicable. Functional consequence: retained intron. Not counted in ClinVar's aggregate classification.

Dr. Peter K. Rogan Lab, Western University
No classification provided (evidence only). Condition: Gastric cancer. Review status: no classification provided. Collection method: in vitro. Allele origin: not applicable. Functional consequence: retained intron. Not counted in ClinVar's aggregate classification.

Dr. Peter K. Rogan Lab, Western University
No classification provided (evidence only). Condition: Malignant tumor of esophagus. Review status: no classification provided. Collection method: in vitro. Allele origin: not applicable. Functional consequence: retained intron. Not counted in ClinVar's aggregate classification.

Dr. Peter K. Rogan Lab, Western University
No classification provided (evidence only). Condition: Malignant tumor of esophagus. Review status: no classification provided. Collection method: in vitro. Allele origin: not applicable. Functional consequence: skipped exon. Not counted in ClinVar's aggregate classification.

Dr. Peter K. Rogan Lab, Western University
No classification provided (evidence only). Condition: Malignant tumor of esophagus. Review status: no classification provided. Collection method: in vitro. Allele origin: not applicable. Functional consequence: retained intron. Not counted in ClinVar's aggregate classification.

Dr. Peter K. Rogan Lab, Western University
No classification provided (evidence only). Condition: Malignant tumor of esophagus. Review status: no classification provided. Collection method: in vitro. Allele origin: not applicable. Functional consequence: retained intron. Not counted in ClinVar's aggregate classification.

Dr. Peter K. Rogan Lab, Western University
No classification provided (evidence only). Condition: Malignant tumor of esophagus. Review status: no classification provided. Collection method: in vitro. Allele origin: not applicable. Functional consequence: skipped exon. Not counted in ClinVar's aggregate classification.